The following is an entry in ClinVar:

NM_000283.4(PDE6B):c.699G>T (p.Thr233=)

Gene: PDE6B (phosphodiesterase 6B; plus strand). Cytogenetic location: 4p16.3.
Variant type: single nucleotide variant.
Coding change: c.699G>T on transcript NM_000283.4 (MANE Select); coding-DNA position 699, G replaced by T.
Protein change: p.Thr233=; no amino-acid change (threonine 233 retained).
Molecular consequence: synonymous variant.
Genome position (GRCh38, 1-based): chr4:635,957, G>T. VCF-style: chr4-635957-G-T. GRCh37 (hg19) VCF-style: chr4-629746-G-T.
Other names: c.699G>T, p.Thr233= (NM_001145291.2); c.699G>T (NM_000283.3).
Identifiers: ClinVar variation 3615314 (VCV003615314.3).

ClinVar aggregate classification (germline): Likely benign. Review status: criteria provided, multiple submitters, no conflicts (2 of 4 stars). 2 submissions from 2 submitters: Likely benign (2). Last evaluated 2026-05-19.

Conditions:
PDE6B-related disorder. Also called: PDE6B-related disease; PDE6B-related condition; PDE6B-related disorders.

gnomAD v4.1: 13 of 1,603,600 alleles (0.00081%); highest among the groups gnomAD compares: South Asian, 0.0099%; no homozygotes.

Submissions (2):

PreventionGenetics, part of Exact Sciences
Classification: Likely benign for PDE6B-related condition. Last evaluated: 2026-05-19. Review status: criteria provided, single submitter. Criteria: ACMG Guidelines, 2015. Collection method: clinical testing. Allele origin: germline.
Comment: This variant is classified as likely benign based on ACMG/AMP sequence variant interpretation guidelines (Richards et al. 2015 PMID: 25741868, with internal and published modifications).

Labcorp Genetics (formerly Invitae), Labcorp
Classification: Likely benign. Last evaluated: 2024-10-08. Review status: criteria provided, single submitter. Criteria: Invitae Variant Classification Sherloc (09022015). Collection method: clinical testing. Allele origin: germline.